The following is an entry in ClinVar:

NM_138459.5(NUS1):c.621_622del (p.Phe207fs)

Gene: NUS1 (NUS1 dehydrodolichyl diphosphate synthase subunit; plus strand). Cytogenetic location: 6q22.1.
Variant type: Deletion.
Coding change: c.621_622del on transcript NM_138459.5 (MANE Select); coding-DNA positions 621 to 622, 2 bases deleted (TT; older notation c.621_622delTT).
Protein change: p.Phe207fs; shifts the reading frame from phenylalanine 207.
Molecular consequence: frameshift variant.
Genome position (GRCh38, 1-based): chr6:117,694,110-117,694,111, TT deleted; deleting any 2 consecutive bases within chr6:117,694,108-117,694,111 gives the same sequence; the c. name uses the placement nearest the transcript's 3' end. VCF-style (leftmost placement, unchanged base first): chr6-117694107-CTT-C. GRCh37 (hg19) VCF-style: chr6-118015270-CTT-C.
Other names: short protein forms F207fs.
Identifiers: ClinVar variation 2632428 (VCV002632428.1), dbSNP rs746614172, ClinGen allele CA3977151.

ClinVar aggregate classification (germline): Likely pathogenic (1 of 4 stars; one submission).

Conditions:
NUS1-related disorder. Also called: NUS1-related condition; NUS1-Related Disorders. Identifiers: MedGen CN382504, MONDO:1060287.

Submission:

PreventionGenetics, part of Exact Sciences
Classification: Likely pathogenic for NUS1-related condition. Last evaluated: 2023-06-02. Review status: criteria provided, single submitter. Criteria: ACMG Guidelines, 2015. Collection method: clinical testing. Allele origin: germline.
Comment: The NUS1 c.621_622delTT variant is predicted to result in a frameshift and premature protein termination (p.Phe207Leufs*24). To our knowledge, this variant has not been reported in the literature or in a large population database, indicating this variant is rare. Frameshift variants in NUS1 are expected to be pathogenic. This variant is interpreted as likely pathogenic.